The following is an entry in ClinVar:

NM_023110.3(FGFR1):c.1408C>T (p.Arg470Cys)

Gene: FGFR1 (fibroblast growth factor receptor 1; minus strand). Cytogenetic location: 8p11.23.
Variant type: single nucleotide variant.
Coding change: c.1408C>T on transcript NM_023110.3 (MANE Select); coding-DNA position 1408, C replaced by T.
Protein change: p.Arg470Cys; replaces arginine 470 with cysteine.
Molecular consequence: missense variant.
Genome position (GRCh38, 1-based): chr8:38,418,250, G>A on the plus strand (C>T on the coding strand, the complement: FGFR1 is on the minus strand). VCF-style: chr8-38418250-G-A. GRCh37 (hg19) VCF-style: chr8-38275768-G-A.
Other names: c.1402C>T, p.Arg468Cys (NM_001174063.2, NM_001174065.2, NM_001354367.2 and 1 more transcripts); c.1378C>T, p.Arg460Cys (NM_001174064.2); c.1141C>T, p.Arg381Cys (NM_001174066.2, NM_023105.3); c.1501C>T, p.Arg501Cys (NM_001174067.2); c.1129C>T, p.Arg377Cys (NM_001354368.2); c.1396C>T, p.Arg466Cys (NM_001354369.2); c.1135C>T, p.Arg379Cys (NM_001354370.2, NM_023106.3); short protein forms R377C, R379C, R381C, R460C, R466C, R468C, R470C, R501C.
Identifiers: ClinVar variation 1190350 (VCV001190350.18), dbSNP rs781310679, ClinGen allele CA4718395.

ClinVar aggregate classification (germline): Uncertain significance. Review status: criteria provided, multiple submitters, no conflicts (2 of 4 stars). 6 submissions from 6 submitters: Uncertain significance (6). Last evaluated 2026-10-01.

Conditions:
Hartsfield-Bixler-Demyer syndrome (HRTFDS). Also called: FGFR1-Related Hartsfield Syndrome; Holoprosencephaly, ectrodactyly, and bilateral cleft lip/palate; Hartsfield syndrome. Identifiers: Orphanet 2117, MedGen C1845146, MONDO:0014196, OMIM 615465. Disease mechanism: loss of function.
Osteoglophonic dysplasia (OGD). Also called: Osteoglophonic dwarfism. Identifiers: Orphanet 2645, MedGen C0432283, MONDO:0008150, OMIM 166250.
Hypogonadotropic hypogonadism 2 with or without anosmia (HH2). Also called: FGFR1-Related GnRH Deficiency (Kallmann Syndrome 2); HYPOGONADOTROPIC HYPOGONADISM 2 WITHOUT ANOSMIA; HYPOGONADOTROPIC HYPOGONADISM 2 WITH OR WITHOUT ANOSMIA, SUSCEPTIBILITY TO; HYPOGONADOTROPIC HYPOGONADISM 2 WITHOUT ANOSMIA, SUSCEPTIBILITY TO. Identifiers: Orphanet 478, MedGen C1563720, MONDO:0007844, OMIM 147950. Disease mechanism: loss of function.
Jackson-Weiss syndrome (JWS). Also called: CRANIOSYNOSTOSIS, MIDFACIAL HYPOPLASIA, AND FOOT ABNORMALITIES. Identifiers: Orphanet 1540, MedGen C0795998, MONDO:0007400, OMIM 123150. Disease mechanism: loss of function.
Trigonocephaly 1 (TRIGNO1). Identifiers: Orphanet 3366, MedGen C0432122, MONDO:0008603, OMIM 190440.
Encephalocraniocutaneous lipomatosis (ECCL). Identifiers: Orphanet 2396, MedGen C0406612, MONDO:0013074, OMIM 613001.
Pfeiffer syndrome (ACS5). Also called: ACS V. Identifiers: Orphanet 710, MedGen C0220658, MONDO:0007043, OMIM 101600.
FGFR1-related disorder. Also called: FGFR1-related disorders; FGFR1-related condition. Identifiers: MedGen CN380097.

Allele frequency attached by ClinVar (database versions not stated): gnomAD exomes 0.00003 and 0.00007; TOPMed 0.00005; ExAC 0.00005.
gnomAD v4.1: 47 of 1,614,210 alleles (0.0029%); highest among the groups gnomAD compares: Admixed American, 0.02%; no homozygotes.

Submissions (6):

GeneDx
Classification: Uncertain significance. Last evaluated: 2026-10-01. Review status: criteria provided, single submitter. Criteria: GeneDx Variant Classification Process June 2021. Collection method: clinical testing. Allele origin: germline.
Comment: Identified in a patient with normosmic idiopathic hypogonadotrpic hypogonadism and classified as a variant of uncertain significance in published literature (PMID: 27884859, 30921766); Identified in a patients with Kallmann syndrome and classified as a variant of uncertain significance in published literature (PMID: 37805574, 36531499); Identified in a patient with mild Pfeiffer syndrome in published literature (PMID: 25873011); In silico analysis supports that this missense variant has a deleterious effect on protein structure/function; This variant is associated with the following publications: (PMID: 30921766, 36531499, 27884859, 37805574, 25873011, 40526877, 20643727)

Labcorp Genetics (formerly Invitae), Labcorp
Classification: Uncertain significance for Pfeiffer syndrome; Hypogonadotropic hypogonadism 2 with or without anosmia. Last evaluated: 2025-10-29. Review status: criteria provided, single submitter. Criteria: Invitae Variant Classification Sherloc (09022015). Collection method: clinical testing. Allele origin: germline.
Comment: This sequence change replaces arginine, which is basic and polar, with cysteine, which is neutral and slightly polar, at codon 470 of the FGFR1 protein (p.Arg470Cys). This variant is present in population databases (rs781310679, gnomAD 0.03%), and has an allele count higher than expected for a pathogenic variant. This missense change has been observed in individual(s) with FGFR1-related conditions (PMID: 27884859, 30921766, 36531499, 37805574). ClinVar contains an entry for this variant (Variation ID: 1190350). Invitae Evidence Modeling of protein sequence and biophysical properties (such as structural, functional, and spatial information, amino acid conservation, physicochemical variation, residue mobility, and thermodynamic stability) indicates that this missense variant is not expected to disrupt FGFR1 protein function with a negative predictive value of 80%. In summary, the available evidence is currently insufficient to determine the role of this variant in disease. Therefore, it has been classified as a Variant of Uncertain Significance.

Women's Health and Genetics/Laboratory Corporation of America, LabCorp
Classification: Uncertain significance. Last evaluated: 2025-10-01. Review status: criteria provided, single submitter. Criteria: LabCorp Variant Classification Summary - May 2015. Collection method: clinical testing. Allele origin: germline.
Comment: Variant summary: FGFR1 c.1408C>T (p.Arg470Cys) results in a non-conservative amino acid change in the encoded protein sequence. Algorithms developed to predict the effect of missense changes on protein structure and function all suggest that this variant is likely to be disruptive. The variant allele was found at a frequency of 7.2e-05 in 249548 control chromosomes. This frequency is not significantly higher than estimated for disease-causing variants in FGFR1, allowing no conclusion about variant significance. c.1408C>T has been observed in individuals affected with FGFR1-Related Disorders (Stamou_2019, Federici_2022, Xu_2023). These report(s) do not provide unequivocal conclusions about association of the variant with FGFR1-Related Disorders. At least one publication reports experimental evidence evaluating an impact on protein function and these results showed no damaging effect of this variant (Ziegler_2025). The following publications have been ascertained in the context of this evaluation (PMID: 36531499, 30921766, 27884859, 37805574, 40526877). ClinVar contains an entry for this variant (Variation ID: 1190350). Based on the evidence outlined above, the variant was classified as uncertain significance.

PreventionGenetics, part of Exact Sciences
Classification: Uncertain significance for FGFR1-related condition. Last evaluated: 2025-07-23. Review status: criteria provided, single submitter. Criteria: ACMG Guidelines, 2015. Collection method: clinical testing. Allele origin: germline.
Comment: The FGFR1 c.1408C>T variant is predicted to result in the amino acid substitution p.Arg470Cys. This variant has been reported in patients with normosmic idiopathic hypogonadotrpic hypogonadism (Stamou et al. 2019. PubMed ID: 30921766; Supplementary Table 1, Xu et al. 2023. PubMed ID: 37805574) and Kallman syndrome (Supplemental Table 2, Federici et al. 2022. PubMed ID: 36531499). This variant is reported in 0.035% of alleles in individuals of Latino descent in gnomAD. At this time, the clinical significance of this variant is uncertain due to the absence of conclusive functional and genetic evidence.

Fulgent Genetics
Classification: Uncertain significance for Pfeiffer syndrome; Jackson-Weiss syndrome; Hypogonadotropic hypogonadism 2 with or without anosmia; Osteoglophonic dysplasia; Trigonocephaly 1; Encephalocraniocutaneous lipomatosis; Hartsfield-Bixler-Demyer syndrome. Last evaluated: 2024-02-09. Review status: criteria provided, single submitter. Criteria: ACMG Guidelines, 2015. Collection method: clinical testing. Allele origin: germline.

Reproductive Endocrine Unit, Massachusetts General Hospital
Classification: Uncertain significance for Hypogonadotropic hypogonadism 2 with or without anosmia. Last evaluated: 2023-05-04. Review status: criteria provided, single submitter. Criteria: ACMG Guidelines, 2015. Collection method: research. Allele origin: inherited. Affected: yes. Observed: 1 variant allele.
Comment: The variant has been classified as VUS based on the variant meeting the following ACMG Criteria: PP2,BP4.

Literature cited by the submitters: PubMed 27884859 (cited by Labcorp Genetics (formerly Invitae), Labcorp and Women's Health and Genetics/Laboratory Corporation of America, LabCorp); PubMed 30921766 (cited by Labcorp Genetics (formerly Invitae), Labcorp and Women's Health and Genetics/Laboratory Corporation of America, LabCorp); PubMed 36531499 (cited by Labcorp Genetics (formerly Invitae), Labcorp and Women's Health and Genetics/Laboratory Corporation of America, LabCorp); PubMed 37805574 (cited by Labcorp Genetics (formerly Invitae), Labcorp and Women's Health and Genetics/Laboratory Corporation of America, LabCorp); PubMed 40526877 (cited by Women's Health and Genetics/Laboratory Corporation of America, LabCorp).